The following is an entry in ClinVar:

NM_001122630.2(CDKN1C):c.725_742del (p.Gly242_Ser247del)

Gene: CDKN1C (cyclin dependent kinase inhibitor 1C; minus strand). Cytogenetic location: 11p15.4.
Variant type: Deletion.
Coding change: c.725_742del on transcript NM_001122630.2 (MANE Select); coding-DNA positions 725 to 742, 18 bases deleted (GCACCGCGGCCGCCAGCG).
Protein change: p.Gly242_Ser247del.
Molecular consequence: inframe deletion. On other transcripts: intron variant (1).
Genome position (GRCh38, 1-based): chr11:2,884,715-2,884,732, CGCTGGCGGCCGCGGTGC deleted on the plus strand (GCACCGCGGCCGCCAGCG on the coding strand, the reverse complement: CDKN1C is on the minus strand); deleting any 18 consecutive bases within chr11:2,884,715-2,884,734 gives the same sequence; the c. name uses the placement nearest the transcript's 3' end. VCF-style (leftmost placement, unchanged base first): chr11-2884714-GCGCTGGCGGCCGCGGTGC-G. GRCh37 (hg19) VCF-style: chr11-2905944-GCGCTGGCGGCCGCGGTGC-G.
Other names: c.758_775del, p.Gly253_Ser258del (NM_000076.2, NM_001362474.2); c.725_742del, p.Gly242_Ser247del (NM_001122631.2); c.255+470_255+487del (NM_001362475.2).
Identifiers: ClinVar variation 2830764 (VCV002830764.3), dbSNP rs2494383561, ClinGen allele CA2739276079.
Genomic context (GRCh38, chr11:2,884,714, plus strand): 5'-GCCGTGCGGGGCTCACCGGAGATCAGAGGCCCGGACAGCTTCTTGATCGCCGCGCCGTTG[GCGCTGGCGGCCGCGGTGC>G]CGGCCGCGGGACGTCCCGAAATCCCCGAGTGCAGCTGGTCAGCGAGAGGCTCCTGGCCGC-3'

ClinVar aggregate classification (germline): Uncertain significance (1 of 4 stars; one submission).

Conditions:
Beckwith-Wiedemann syndrome (BWS). Also called: EMG SYNDROME; Exomphalos macroglossia gigantism syndrome. Identifiers: Orphanet 116, MedGen C0004903, MONDO:0007534, OMIM 130650.

Submission:

Labcorp Genetics (formerly Invitae), Labcorp
Classification: Uncertain significance for Beckwith-Wiedemann syndrome. Last evaluated: 2024-02-01. Review status: criteria provided, single submitter. Criteria: Invitae Variant Classification Sherloc (09022015). Collection method: clinical testing. Allele origin: germline.
Comment: This variant, c.758_775del, results in the deletion of 6 amino acid(s) of the CDKN1C protein (p.Gly253_Ser258del), but otherwise preserves the integrity of the reading frame. This variant is not present in population databases (gnomAD no frequency). This variant has not been reported in the literature in individuals affected with CDKN1C-related conditions. Experimental studies and prediction algorithms are not available or were not evaluated, and the functional significance of this variant is currently unknown. In summary, the available evidence is currently insufficient to determine the role of this variant in disease. Therefore, it has been classified as a Variant of Uncertain Significance.